The following is an entry in ClinVar:

ClinVar aggregate classification (germline): Uncertain significance. Review status: criteria provided, single submitter (1 of 4 stars). 2 submissions from 2 submitters: Uncertain significance (1). 1 of the submissions does not count toward it. Last evaluated 2020-01-02.

Conditions:
Nemaline myopathy 2 (NEM2). Also called: Nemaline myopathy 2, autosomal recessive. Identifiers: MedGen C1850569, MONDO:0009725, OMIM 256030.

Allele frequency attached by ClinVar (database versions not stated): gnomAD exomes below 0.00001; TOPMed below 0.00001; gnomAD 0.00001.

Submissions (2):

Labcorp Genetics (formerly Invitae), Labcorp
Classification: Uncertain significance for Nemaline myopathy 2. Last evaluated: 2020-01-02. Review status: criteria provided, single submitter. Criteria: Invitae Variant Classification Sherloc (09022015). Collection method: clinical testing. Allele origin: germline.
Comment: This sequence change results in a premature translational stop signal in the NEB gene (p.Tyr8512*). While this is not anticipated to result in nonsense mediated decay, it is expected to disrupt the last 49 amino acids of the NEB protein. This variant is not present in population databases (ExAC no frequency). This variant has not been reported in the literature in individuals with NEB-related conditions. ClinVar contains an entry for this variant (Variation ID: 550066). Experimental studies and prediction algorithms are not available or were not evaluated, and the functional significance of this variant is currently unknown. In summary, the available evidence is currently insufficient to determine the role of this variant in disease. Therefore, it has been classified as a Variant of Uncertain Significance.

Counsyl
Classification: Uncertain significance for Nemaline myopathy 2. Last evaluated: 2017-05-23. Review status: no assertion criteria provided. Collection method: clinical testing. Allele origin: unknown. Not counted in ClinVar's aggregate classification.

Literature cited by the submitters: PubMed 11309420 (cited by Counsyl); PubMed 21148390 (cited by Counsyl); PubMed 10931867 (cited by Counsyl); PubMed 7739042 (cited by Counsyl); PubMed 11994971 (cited by Counsyl); PubMed 11851340 (cited by Counsyl); PubMed 24046450 (cited by Counsyl).

NM_001164508.2(NEB):c.25429_25430insG (p.Tyr8477Ter)

Genes: NEB (nebulin; minus strand), RIF1 (replication timing regulatory factor 1; plus strand). Cytogenetic location: 2q23.3.
Variant type: Insertion.
Coding change: c.25429_25430insG on transcript NM_001164508.2 (MANE Select); coding-DNA positions 25429 to 25430, G inserted.
Protein change: p.Tyr8477Ter; replaces tyrosine 8477 with a stop codon.
Molecular consequence: nonsense.
Genome position: GRCh38 VCF-style: chr2-151485908-T-TC. GRCh37 (hg19) VCF-style: chr2-152342422-T-TC.
Other names: c.25429_25430insG, p.Tyr8477Ter (NM_001164507.2); c.25534_25535insG, p.Tyr8512Ter (NM_001271208.2); c.19861_19862insG, p.Tyr6621Ter (NM_004543.5); short protein forms Y6621*, Y8477*, Y8512*.
Identifiers: ClinVar variation 550066 (VCV000550066.7), dbSNP rs1242654062, ClinGen allele CA658821888.